The following is an entry in ClinVar:

ClinVar aggregate classification (germline): Uncertain significance. Review status: reviewed by expert panel (3 of 4 stars). 7 submissions from 7 submitters: Uncertain significance (1). 6 of the submissions do not count toward it. Last evaluated 2023-09-27.

Conditions:
ACADVL-related disorder. Also called: ACADVL-related condition.
Very long chain acyl-CoA dehydrogenase deficiency (ACADVLD). Also called: Very Long-Chain Acyl-Coenzyme A Dehydrogenase Deficiency; VLCAD Deficiency. Identifiers: Orphanet 26793, MedGen C3887523, MONDO:0008723, OMIM 201475.

Submissions (7):

ClinGen ACADVL Variant Curation Expert Panel, ClinGen
Classification: Uncertain significance for Very long chain acyl-CoA dehydrogenase deficiency. Last evaluated: 2023-09-27. Review status: reviewed by expert panel. Criteria: clingen acadvl acmg specifications v1. Collection method: curation. Allele origin: germline. Inheritance: Autosomal recessive inheritance.
Comment: The c.1678+3_1678+6del variant in ACADVL is an intronic variant which occurs in intron 16. The highest population minor allele frequency in gnomAD v2.1.1 is 0.00012 in the Latino population, which is lower than the ClinGen ACADVL Variant Curation Expert Panel threshold. The computational splicing predictor SpliceAI gives a score of 0.85 for donor loss, predicting that the variant disrupts the donor splice site of intron 16 of ACADVL (PP3). This variant has been detected in an individual with very long chain acyl CoA dehydrogenase (VLCAD) deficiency (internal lab contributor). At least one patient with this variant displayed abnormal NBS with follow-up Plasma Acylcarnitine analysis consistent with VLCAD deficiency, which is highly specific for VLCAD deficiency (PP4_moderate, Internal lab contributors). This variant is classified as a variant of uncertain significance for autosomal recessive VLCAD deficiency based on the ACMG/AMP criteria applied, as specified by the ClinGen ACADVL Variant Curation Expert Panel: PM2_supporting, PP3, PP4_moderate. (ACADVL VCEP specifications version 1; approved November 9, 2021)

Labcorp Genetics (formerly Invitae), Labcorp
Classification: Likely pathogenic for Very long chain acyl-CoA dehydrogenase deficiency. Last evaluated: 2025-12-08. Review status: criteria provided, single submitter. Criteria: Invitae Variant Classification Sherloc (09022015). Collection method: clinical testing. Allele origin: germline. Not counted in ClinVar's aggregate classification.
Comment: This sequence change falls in intron 17 of the ACADVL gene. It does not directly change the encoded amino acid sequence of the ACADVL protein. It affects a nucleotide within the consensus splice site. This variant is present in population databases (rs759135941, gnomAD 0.01%). This variant has been observed in individual(s) with VLCAD deficiency (PMID: 37404675; internal data). In at least one individual the data is consistent with being in trans (on the opposite chromosome) from a pathogenic variant. ClinVar contains an entry for this variant (Variation ID: 646976). Variants that disrupt the consensus splice site are a relatively common cause of aberrant splicing (PMID: 17576681, 9536098). Algorithms developed to predict the effect of sequence changes on RNA splicing suggest that this variant may disrupt the consensus splice site. In summary, the currently available evidence indicates that the variant is pathogenic, but additional data are needed to prove that conclusively. Therefore, this variant has been classified as Likely Pathogenic.

GeneDx
Classification: Likely pathogenic. Last evaluated: 2024-12-20. Review status: criteria provided, single submitter. Criteria: GeneDx Variant Classification Process June 2021. Collection method: clinical testing. Allele origin: germline. Affected: yes. Not counted in ClinVar's aggregate classification.
Comment: Observed with a pathogenic or likely pathogenic variant on the opposite allele (in trans) in patients with clinical features consistent with ACADVL-related very long-chain acyl-CoA dehydrogenase deficiency referred for genetic testing at GeneDx and in published literature (PMID: 37404675); Not observed at significant frequency in large population cohorts (gnomAD); In silico analysis supports a deleterious effect on splicing; This variant is associated with the following publications: (PMID: 32778825, 37404675)

Wong Mito Lab, Molecular and Human Genetics, Baylor College of Medicine
Classification: Uncertain significance for Very long chain acyl-CoA dehydrogenase deficiency. Last evaluated: 2019-11-01. Review status: criteria provided, single submitter. Criteria: ACMG Guidelines, 2015. Collection method: clinical testing. Allele origin: germline. Not counted in ClinVar's aggregate classification.
Comment: The NM_000018.3:c.1678+3_1678+6delAAGT (NP_000009.1:p.?) [GRCH38: NC_000017.11:g.7224555_7224558delAAGT] variant in ACADVL gene is interpretated to be Uncertain Significance based on ACMG guidelines (PMID: 25741868). This variant has been reported. This variant meets the following evidence codes reported in the ACMG guidelines: PP3

ARUP Laboratories, Molecular Genetics and Genomics, ARUP Laboratories
Classification: Uncertain significance for Very long chain acyl-CoA dehydrogenase deficiency. Last evaluated: 2019-01-27. Review status: criteria provided, single submitter. Criteria: ARUP Molecular Germline Variant Investigation Process. Collection method: clinical testing. Allele origin: germline. Not counted in ClinVar's aggregate classification.
Comment: The ACADVL c.1678+3_1678+6delAAGT variant (rs759135941), to our knowledge, is not reported in the medical literature or gene specific databases. This variant is found in Latino population with an allele frequency of 0.012% (4/34,526 alleles) in the Genome Aggregation Database. This is an intronic variant deleting highly conserved nucleotides, and computational analyses (Alamut v.2.11) predict that this variant may impact splicing by significantly weakening the nearby canonical donor splice site. However, given the lack of clinical and functional data, the significance of the c.1678+3_1678+6delAAGT variant is uncertain at this time.

PreventionGenetics, part of Exact Sciences
Classification: Uncertain significance for ACADVL-related condition. Last evaluated: 2024-07-12. Review status: no assertion criteria provided. Collection method: clinical testing. Allele origin: germline. Not counted in ClinVar's aggregate classification.
Comment: The ACADVL c.1678+3_1678+6delAAGT variant is predicted to result in an intronic deletion. This variant is predicted to affect the canonical splice donor site according to an in silico splicing algorithm (SpliceAI, Jaganathan K, et al. 2019. PubMed ID: 30661751). However, the use of computer prediction programs is not equivalent to functional evidence. This variant has been reported in the compound heterozygous state in an individual with very long-chain acyl-CoA dehydrogenase deficiency (Singh et al. 2023. PubMed ID: 37404675). In addition, this variant was reported in an individual with an inborn error of metabolism (Table S5, Adhikari et al. 2020. PubMed ID: 32778825). This variant is reported in 0.012% of alleles in individuals of Latino descent in gnomAD. This variant has been interpreted as variant of uncertain significance by ClinGen ACADVL Variant Curation Expert Panel. Although we suspect that this variant may be pathogenic, at this time, the clinical significance of this variant is uncertain due to the absence of conclusive functional and genetic evidence.

Natera, Inc.
Classification: Uncertain significance for Very long chain acyl-CoA dehydrogenase deficiency. Last evaluated: 2020-09-16. Review status: no assertion criteria provided. Collection method: clinical testing. Allele origin: germline. Not counted in ClinVar's aggregate classification.

Literature cited by the submitters: PubMed 37404675 (cited by Labcorp Genetics (formerly Invitae), Labcorp); PubMed 17576681 (cited by Labcorp Genetics (formerly Invitae), Labcorp); PubMed 9536098 (cited by Labcorp Genetics (formerly Invitae), Labcorp).

NM_000018.4(ACADVL):c.1678+3_1678+6del

Gene: ACADVL (acyl-CoA dehydrogenase very long chain; plus strand). Cytogenetic location: 17p13.1.
Variant type: Deletion.
Coding change: c.1678+3_1678+6del on transcript NM_000018.4 (MANE Select); bases 3 to 6 of the intron after coding-DNA position 1678, 4 bases deleted (AAGT; older notation c.1678+3_1678+6delAAGT).
Molecular consequence: splice donor variant.
Genome position (GRCh38, 1-based): chr17:7,224,555-7,224,558, AAGT deleted; deleting any 4 consecutive bases within chr17:7,224,552-7,224,558 gives the same sequence; the c. name uses the placement nearest the transcript's 3' end. VCF-style (leftmost placement, unchanged base first): chr17-7224551-CAGTA-C. GRCh37 (hg19) VCF-style: chr17-7127870-CAGTA-C.
Other names: c.1678+3_1678+6delAAGT (NM_000018.4); c.1747+3_1747+6del (NM_001270447.2); c.1450+3_1450+6del (NM_001270448.2); c.1612+3_1612+6del (NM_001033859.3).
Identifiers: ClinVar variation 646976 (VCV000646976.20), dbSNP rs759135941, ClinGen allele CA8338202.